The following is an entry in ClinVar:

NM_004525.3(LRP2):c.13080A>G (p.Ile4360Met)

Gene: LRP2 (LDL receptor related protein 2; minus strand). Cytogenetic location: 2q31.1.
Variant type: single nucleotide variant.
Coding change: c.13080A>G on transcript NM_004525.3 (MANE Select); coding-DNA position 13080, A replaced by G.
Protein change: p.Ile4360Met; replaces isoleucine 4360 with methionine.
Molecular consequence: missense variant.
Genome position (GRCh38, 1-based): chr2:169,142,702, T>C on the plus strand (A>G on the coding strand, the complement: LRP2 is on the minus strand). VCF-style: chr2-169142702-T-C. GRCh37 (hg19) VCF-style: chr2-169999212-T-C.
Other names: short protein forms I4360M.
Identifiers: ClinVar variation 2130093 (VCV002130093.1), dbSNP rs2545653880, ClinGen allele CA349125218.

ClinVar aggregate classification (germline): Uncertain significance (1 of 4 stars; one submission).

Submission:

Labcorp Genetics (formerly Invitae), Labcorp
Classification: Uncertain significance. Last evaluated: 2022-05-03. Review status: criteria provided, single submitter. Criteria: Invitae Variant Classification Sherloc (09022015). Collection method: clinical testing. Allele origin: germline.
Comment: This sequence change replaces isoleucine, which is neutral and non-polar, with methionine, which is neutral and non-polar, at codon 4360 of the LRP2 protein (p.Ile4360Met). This variant is not present in population databases (gnomAD no frequency). This variant has not been reported in the literature in individuals affected with LRP2-related conditions. Advanced modeling of protein sequence and biophysical properties (such as structural, functional, and spatial information, amino acid conservation, physicochemical variation, residue mobility, and thermodynamic stability) performed at Invitae indicates that this missense variant is not expected to disrupt LRP2 protein function. In summary, the available evidence is currently insufficient to determine the role of this variant in disease. Therefore, it has been classified as a Variant of Uncertain Significance.